The following is an entry in ClinVar:

ClinVar aggregate classification (germline): Conflicting classifications of pathogenicity. Review status: criteria provided, conflicting classifications (1 of 4 stars). 2 submissions from 2 submitters: Uncertain significance (1); Likely benign (1). Last evaluated 2026-03-13.

Conditions:
Fanconi anemia (FA). Also called: Fanconi's anemia. Identifiers: Orphanet 84, MedGen C0015625, MeSH D005199, MONDO:0019391.
Inborn genetic diseases. Identifiers: MedGen C0950123, MeSH D030342.

Submissions (2):

Ambry Genetics
Classification: Likely benign for Inborn genetic diseases. Last evaluated: 2026-03-13. Review status: criteria provided, single submitter. Criteria: Ambry Variant Classification Scheme 2023. Collection method: clinical testing. Allele origin: germline.

Labcorp Genetics (formerly Invitae), Labcorp
Classification: Uncertain significance for Fanconi anemia. Last evaluated: 2023-12-29. Review status: criteria provided, single submitter. Criteria: Invitae Variant Classification Sherloc (09022015). Collection method: clinical testing. Allele origin: germline.
Comment: This sequence change replaces threonine, which is neutral and polar, with alanine, which is neutral and non-polar, at codon 567 of the FANCA protein (p.Thr567Ala). This variant is not present in population databases (gnomAD no frequency). This variant has not been reported in the literature in individuals affected with FANCA-related conditions. Advanced modeling of protein sequence and biophysical properties (such as structural, functional, and spatial information, amino acid conservation, physicochemical variation, residue mobility, and thermodynamic stability) performed at Invitae indicates that this missense variant is not expected to disrupt FANCA protein function with a negative predictive value of 80%. In summary, the available evidence is currently insufficient to determine the role of this variant in disease. Therefore, it has been classified as a Variant of Uncertain Significance.

NM_000135.4(FANCA):c.1699A>G (p.Thr567Ala)

Gene: FANCA (FA complementation group A; minus strand). Cytogenetic location: 16q24.3.
Variant type: single nucleotide variant.
Coding change: c.1699A>G on transcript NM_000135.4 (MANE Select); coding-DNA position 1699, A replaced by G.
Protein change: p.Thr567Ala; replaces threonine 567 with alanine.
Molecular consequence: missense variant.
Genome position (GRCh38, 1-based): chr16:89,779,885, T>C on the plus strand (A>G on the coding strand, the complement: FANCA is on the minus strand). VCF-style: chr16-89779885-T-C. GRCh37 (hg19) VCF-style: chr16-89846293-T-C.
Other names: c.1699A>G, p.Thr567Ala (NM_001286167.3); short protein forms T567A.
Identifiers: ClinVar variation 2781259 (VCV002781259.4), dbSNP rs2544230836, ClinGen allele CA397455913.
Genomic context (GRCh38, chr16:89,779,885, plus strand): 5'-CACACACTGCAGCTGCTAGAGGCCTTTTCGGCAGCCCAGCCTACCTGGCCTCCATGACGG[T>C]GACTGGGATGTTCCCCGTATGCTCAAACACCATGATGGCCTTTTCAACATCCTGAAGAGC-3'
Protein context (NP_000126.2, residues 557-577): VFEHTGNIPV[Thr567Ala]VMEASIFRRP